The following is an entry in ClinVar:

ClinVar aggregate classification (germline): Conflicting classifications of pathogenicity. Review status: criteria provided, conflicting classifications (1 of 4 stars). 2 submissions from 2 submitters: Uncertain significance (1); Likely benign (1). Last evaluated 2026-07-02.

Conditions:
PKD1-related disorder. Also called: PKD1-related condition.

gnomAD v4.1: 87 of 1,612,700 alleles (0.0054%); highest among the groups gnomAD compares: African/African-American, 0.096%; no homozygotes.

Submissions (2):

PreventionGenetics, part of Exact Sciences
Classification: Likely benign for PKD1-related condition. Last evaluated: 2026-07-02. Review status: criteria provided, single submitter. Criteria: ACMG Guidelines, 2015. Collection method: clinical testing. Allele origin: germline.
Comment: This variant is classified as likely benign based on ACMG/AMP sequence variant interpretation guidelines (Richards et al. 2015 PMID: 25741868, with internal and published modifications).

GeneDx
Classification: Uncertain significance. Last evaluated: 2024-05-14. Review status: criteria provided, single submitter. Criteria: GeneDx Variant Classification Process June 2021. Collection method: clinical testing. Allele origin: germline. Affected: yes.
Comment: In silico analysis indicates that this missense variant does not alter protein structure/function; Has not been previously published as pathogenic or benign to our knowledge

NM_001009944.3(PKD1):c.10387A>G (p.Lys3463Glu)

Gene: PKD1 (polycystin 1, transient receptor potential channel interacting; minus strand). Cytogenetic location: 16p13.3.
Variant type: single nucleotide variant.
Coding change: c.10387A>G on transcript NM_001009944.3 (MANE Select); coding-DNA position 10387, A replaced by G.
Protein change: p.Lys3463Glu; replaces lysine 3463 with glutamic acid.
Molecular consequence: missense variant.
Genome position (GRCh38, 1-based): chr16:2,097,337, T>C on the plus strand (A>G on the coding strand, the complement: PKD1 is on the minus strand). VCF-style: chr16-2097337-T-C. GRCh37 (hg19) VCF-style: chr16-2147338-T-C.
Other names: c.10384A>G, p.Lys3462Glu (NM_000296.4); short protein forms K3462E, K3463E.
Identifiers: ClinVar variation 3378066 (VCV003378066.2).